The following is an entry in ClinVar:

ClinVar aggregate classification (germline): Uncertain significance (1 of 4 stars; one submission).

Submission:

Labcorp Genetics (formerly Invitae), Labcorp
Classification: Uncertain significance. Last evaluated: 2024-04-09. Review status: criteria provided, single submitter. Criteria: Invitae Variant Classification Sherloc (09022015). Collection method: clinical testing. Allele origin: germline.
Comment: This sequence change replaces arginine, which is basic and polar, with histidine, which is basic and polar, at codon 394 of the TELO2 protein (p.Arg394His). This variant is present in population databases (rs759864279, gnomAD 0.007%). This variant has not been reported in the literature in individuals affected with TELO2-related conditions. Advanced modeling of protein sequence and biophysical properties (such as structural, functional, and spatial information, amino acid conservation, physicochemical variation, residue mobility, and thermodynamic stability) performed at Invitae indicates that this missense variant is not expected to disrupt TELO2 protein function with a negative predictive value of 80%. In summary, the available evidence is currently insufficient to determine the role of this variant in disease. Therefore, it has been classified as a Variant of Uncertain Significance.

NM_016111.4(TELO2):c.1181G>A (p.Arg394His)

Gene: TELO2 (telomere maintenance 2; plus strand). Cytogenetic location: 16p13.3.
Variant type: single nucleotide variant.
Coding change: c.1181G>A on transcript NM_016111.4 (MANE Select); coding-DNA position 1181, G replaced by A.
Protein change: p.Arg394His; replaces arginine 394 with histidine.
Molecular consequence: missense variant.
Genome position (GRCh38, 1-based): chr16:1,500,599, G>A. VCF-style: chr16-1500599-G-A. GRCh37 (hg19) VCF-style: chr16-1550600-G-A.
Other names: c.1181G>A, p.Arg394His (NM_001351846.2); short protein forms R394H.
Identifiers: ClinVar variation 3620729 (VCV003620729.2).
Genomic context (GRCh38, chr16:1,500,599, plus strand): 5'-AGGGGGCCTGTCCGGTGCTTGCAGAACTGCTGGCCAGCATGATGGCGGGCGTGAAGTGCC[G>A]CCTGGACAGTAGCCTGCCCCCCGTGCGACGCCTGGGCATGATCGTGGCAGAGGTCGTTAG-3'
Protein context (NP_057195.2, residues 384-404): LASMMAGVKC[Arg394His]LDSSLPPVRR